The following is an entry in ClinVar:

ClinVar aggregate classification (germline): Likely benign. Review status: criteria provided, multiple submitters, no conflicts (2 of 4 stars). 2 submissions from 2 submitters: Likely benign (2). Last evaluated 2018-06-16.

Allele frequency attached by ClinVar (database versions not stated): 1000 Genomes Project 0.00359; 1000 Genomes Project 30x 0.00359; TOPMed 0.00736; gnomAD 0.00740 and 0.00769.
gnomAD v4.1: 1,140 of 152,168 alleles (0.75%); highest among the groups gnomAD compares: Non-Finnish European, 1.3%; 5 homozygotes.

Submissions (2):

GeneDx
Classification: Likely benign. Last evaluated: 2018-06-16. Review status: criteria provided, single submitter. Criteria: GeneDx Variant Classification (06012015). Collection method: clinical testing. Allele origin: germline. Affected: yes.
Comment: This variant is considered likely benign or benign based on one or more of the following criteria: it is a conservative change, it occurs at a poorly conserved position in the protein, it is predicted to be benign by multiple in silico algorithms, and/or has population frequency not consistent with disease.

Breakthrough Genomics
Classification: Likely benign. Review status: criteria provided, single submitter. Criteria: ACMG Guidelines, 2015. Collection method: not provided. Allele origin: germline. Inheritance: Autosomal recessive inheritance. Affected: yes.

NM_006329.4(FBLN5):c.620-239T>C

Gene: FBLN5 (fibulin 5; minus strand). Cytogenetic location: 14q32.12.
Variant type: single nucleotide variant.
Coding change: c.620-239T>C on transcript NM_006329.4 (MANE Select); 239 bases into the intron before coding-DNA position 620, T replaced by C.
Molecular consequence: intron variant.
Genome position (GRCh38, 1-based): chr14:91,887,551, A>G on the plus strand (T>C on the coding strand, the complement: FBLN5 is on the minus strand). VCF-style: chr14-91887551-A-G. GRCh37 (hg19) VCF-style: chr14-92353895-A-G.
Other names: c.620-239T>C (NM_001384160.1); c.743-239T>C (NM_001384158.1); c.452-239T>C (NM_001384162.1, NM_001384161.1); c.671-239T>C (NM_001384159.1).
Identifiers: ClinVar variation 679083 (VCV000679083.2), dbSNP rs7153262, ClinGen allele CA265597413.